The following is an entry in ClinVar:

ClinVar aggregate classification (germline): Uncertain significance (1 of 4 stars; one submission).

Conditions:
Hereditary cancer-predisposing syndrome. Also called: Neoplastic Syndromes, Hereditary; Tumor predisposition; Hereditary Cancer Syndrome; Hereditary neoplastic syndrome. Identifiers: Orphanet 140162, MedGen C0027672, MeSH D009386, MONDO:0015356.

Submission:

Ambry Genetics
Classification: Uncertain significance for Hereditary cancer-predisposing syndrome. Last evaluated: 2025-03-17. Review status: criteria provided, single submitter. Criteria: Ambry Variant Classification Scheme 2023. Collection method: clinical testing. Allele origin: germline.
Comment: The p.E277G variant (also known as c.830A>G), located in coding exon 6 of the NTHL1 gene, results from an A to G substitution at nucleotide position 830. The glutamic acid at codon 277 is replaced by glycine, an amino acid with similar properties. This amino acid position is conserved. In addition, the in silico prediction for this alteration is inconclusive. Since supporting evidence is limited at this time, the clinical significance of this alteration remains unclear.

NM_002528.7(NTHL1):c.806A>G (p.Glu269Gly)

Gene: NTHL1 (nth like DNA glycosylase 1; minus strand). Cytogenetic location: 16p13.3.
Variant type: single nucleotide variant.
Coding change: c.806A>G on transcript NM_002528.7 (MANE Select); coding-DNA position 806, A replaced by G.
Protein change: p.Glu269Gly; replaces glutamic acid 269 with glycine.
Molecular consequence: missense variant.
Genome position (GRCh38, 1-based): chr16:2,040,033, T>C on the plus strand (A>G on the coding strand, the complement: NTHL1 is on the minus strand). VCF-style: chr16-2040033-T-C. GRCh37 (hg19) VCF-style: chr16-2090034-T-C.
Other names: c.635A>G, p.Glu212Gly (NM_001318193.2); c.476A>G, p.Glu159Gly (NM_001318194.2); short protein forms E212G, E159G, E269G.
Identifiers: ClinVar variation 1762862 (VCV001762862.3), dbSNP rs369032190, ClinGen allele CA394287539.